The following is an entry in ClinVar:

ClinVar aggregate classification (germline): Benign. Review status: criteria provided, multiple submitters, no conflicts (2 of 4 stars). 16 submissions from 15 submitters: Benign (14). 2 of the submissions do not count toward it. Last evaluated 2026-02-04.

Conditions:
Intrauterine growth retardation, metaphyseal dysplasia, adrenal hypoplasia congenita, genital anomalies, and immunodeficiency. Also called: IMAGEI SYNDROME. Identifiers: MedGen C5193036, MONDO:0032684, OMIM 618336.
Facial dysmorphism-immunodeficiency-livedo-short stature syndrome. Also called: Facial dysmorphism, immunodeficiency, livedo, and short stature; FILS syndrome. Identifiers: Orphanet 352712, MedGen C3554576, MONDO:0014058, OMIM 615139.
Colorectal cancer, susceptibility to, 12 (CRCS12). Also called: COLORECTAL CANCER, SUSCEPTIBILITY TO, ON CHROMOSOME 12q24. Identifiers: Orphanet 220460, MedGen C3554460, MONDO:0014038, OMIM 615083.
Hereditary cancer-predisposing syndrome. Also called: Tumor predisposition; Neoplastic Syndromes, Hereditary; Hereditary neoplastic syndrome; Hereditary Cancer Syndrome. Identifiers: Orphanet 140162, MedGen C0027672, MeSH D009386, MONDO:0015356.

Allele frequency attached by ClinVar (database versions not stated): gnomAD exomes 0.45570 and 0.50424; ExAC 0.50320; ESP Exome Variant Server 0.52237; gnomAD 0.53564 and 0.53676; TOPMed 0.55141; 1000 Genomes Project 0.60523; 1000 Genomes Project 30x 0.61040.

Submissions (16):

Labcorp Genetics (formerly Invitae), Labcorp
Classification: Benign. Last evaluated: 2026-02-04. Review status: criteria provided, single submitter. Criteria: Invitae Variant Classification Sherloc (09022015). Collection method: clinical testing. Allele origin: germline.

ARUP Laboratories, Molecular Genetics and Genomics, ARUP Laboratories
Classification: Benign. Last evaluated: 2025-07-30. Review status: criteria provided, single submitter. Criteria: ARUP Molecular Germline Variant Investigation Process 2024. Collection method: clinical testing. Allele origin: germline.

Blueprint Genetics
Classification: Benign. Last evaluated: 2024-11-27. Review status: criteria provided, single submitter. Criteria: ACMG Guidelines, 2015. Collection method: clinical testing. Allele origin: germline.

KCCC/NGS Laboratory, Kuwait Cancer Control Center
Classification: Benign for Colorectal cancer, susceptibility to, 12. Last evaluated: 2023-07-07. Review status: criteria provided, single submitter. Criteria: ACMG Guidelines, 2015. Collection method: clinical testing. Allele origin: germline. Affected: yes.

Mayo Clinic Laboratories, Mayo Clinic
Classification: Benign. Last evaluated: 2022-05-05. Review status: criteria provided, single submitter. Criteria: ACMG Guidelines, 2015. Collection method: clinical testing. Allele origin: germline. Observed: 487 variant alleles.

Genome-Nilou Lab
Classification: Benign for Facial dysmorphism-immunodeficiency-livedo-short stature syndrome. Last evaluated: 2021-10-25. Review status: criteria provided, single submitter. Criteria: ACMG Guidelines, 2015. Collection method: clinical testing. Allele origin: germline. Affected: no.

Genome-Nilou Lab
Classification: Benign for Intrauterine growth retardation, metaphyseal dysplasia, adrenal hypoplasia congenita, genital anomalies, and immunodeficiency. Last evaluated: 2021-10-25. Review status: criteria provided, single submitter. Criteria: ACMG Guidelines, 2015. Collection method: clinical testing. Allele origin: germline. Affected: no.

Department of Pathology and Laboratory Medicine, Sinai Health System
Classification: Benign for Colorectal cancer, susceptibility to, 12; Facial dysmorphism-immunodeficiency-livedo-short stature syndrome; Intrauterine growth retardation, metaphyseal dysplasia, adrenal hypoplasia congenita, genital anomalies, and immunodeficiency. Last evaluated: 2020-07-16. Review status: criteria provided, single submitter. Criteria: ACMG Guidelines, 2015. Collection method: clinical testing. Allele origin: germline.

PreventionGenetics, part of Exact Sciences
Classification: Benign. Last evaluated: 2016-10-17. Review status: criteria provided, single submitter. Criteria: ACMG Guidelines, 2015. Collection method: clinical testing. Allele origin: germline.

Women's Health and Genetics/Laboratory Corporation of America, LabCorp
Classification: Benign. Last evaluated: 2016-05-19. Review status: criteria provided, single submitter. Criteria: LabCorp Variant Classification Summary - May 2015. Collection method: clinical testing. Allele origin: germline.
Comment: Variant summary: The POLE c.4530A>G (p.Ala1510Ala) variant involves the alteration of a non-conserved nucleotide, resulting in a synonymous change. One in silico tool predicts a polymorphism outcome for this variant. 4/5 splice prediction tools predict no significant impact on normal splicing. ESE finder predicts that this variant may affect multiple ESE sites. However, these predictions have yet to be confirmed by functional studies. This variant was found in 60324/119880 control chromosomes (15839 homozygotes) at a frequency of 0.5032032, which is approximately 35425 times the estimated maximal expected allele frequency of a pathogenic POLE variant (0.0000142), suggesting this variant is likely a benign polymorphism. Taken together, this variant is classified as benign.

Laboratory for Molecular Medicine, Mass General Brigham Personalized Medicine
Classification: Benign. Last evaluated: 2016-03-29. Review status: criteria provided, single submitter. Criteria: LMM Criteria. Collection method: clinical testing. Allele origin: germline.
Comment: Variant identified in a genome or exome case(s) and assessed due to predicted null impact of the variant or pathogenic assertions in the literature or databases. Disclaimer: This variant has not undergone full assessment. The following are preliminary notes: Frequency

GeneDx
Classification: Benign. Last evaluated: 2015-10-30. Review status: criteria provided, single submitter. Criteria: GeneDx Variant Classification (06012015). Collection method: clinical testing. Allele origin: germline. Affected: yes.
Comment: This variant is considered likely benign or benign based on one or more of the following criteria: it is a conservative change, it occurs at a poorly conserved position in the protein, it is predicted to be benign by multiple in silico algorithms, and/or has population frequency not consistent with disease.

Ambry Genetics
Classification: Benign for Hereditary cancer-predisposing syndrome. Last evaluated: 2015-05-20. Review status: criteria provided, single submitter. Criteria: Ambry Variant Classification Scheme 2023. Collection method: clinical testing. Allele origin: germline.

Breakthrough Genomics
Classification: Benign. Review status: criteria provided, single submitter. Criteria: ACMG Guidelines, 2015. Collection method: not provided. Allele origin: germline. Inheritance: Autosomal recessive inheritance. Affected: yes.

Clinical Genetics, Academic Medical Center
Classification: Benign. Review status: no assertion criteria provided. Collection method: clinical testing. Allele origin: germline. Affected: yes. Study: VKGL Data-share Consensus. Not counted in ClinVar's aggregate classification.

Joint Genome Diagnostic Labs from Nijmegen and Maastricht, Radboudumc and MUMC+
Classification: Benign. Review status: no assertion criteria provided. Collection method: clinical testing. Allele origin: germline. Affected: yes. Study: VKGL Data-share Consensus. Not counted in ClinVar's aggregate classification.

NM_006231.4(POLE):c.4530A>G (p.Ala1510=)

Gene: POLE (DNA polymerase epsilon, catalytic subunit; minus strand). Cytogenetic location: 12q24.33.
Variant type: single nucleotide variant.
Coding change: c.4530A>G on transcript NM_006231.4 (MANE Select); coding-DNA position 4530, A replaced by G.
Protein change: p.Ala1510=; no amino-acid change (alanine 1510 retained).
Molecular consequence: synonymous variant.
Genome position (GRCh38, 1-based): chr12:132,643,245, T>C on the plus strand (A>G on the coding strand, the complement: POLE is on the minus strand). VCF-style: chr12-132643245-T-C. GRCh37 (hg19) VCF-style: chr12-133219831-T-C.
Other names: p.Ala1510=.
Identifiers: ClinVar variation 380214 (VCV000380214.43), dbSNP rs5744944, ClinGen allele CA6892815.